The following is an entry in ClinVar:

ClinVar aggregate classification (germline): Uncertain significance (3 of 4 stars; one submission).

Conditions:
Open-angle glaucoma. Identifiers: MedGen C0017612, MONDO:0005338, HP:0012108.

Submission:

ClinGen Glaucoma Variant Curation Expert Panel
Classification: Uncertain significance for Open-angle glaucoma. Last evaluated: 2026-01-12. Review status: reviewed by expert panel. Criteria: ClinGen Glaucoma ACMG Specifications V2.0.0 Approved. Collection method: curation. Allele origin: germline. Inheritance: Autosomal dominant inheritance.
Comment: The c.1515A>G variant in MYOC is a single nucleotide change, predicted to substitute the terminating codon by Tryptophan and extending the protein by an additional 42 amino acids (p.Ter505TrpextTer42). This variant is predicted to involve < 10% of the protein within the conserved olfactomedin domain, meeting PM4_Supporting. This variant was not found in any genetic ancestry group of gnomAD (v4.1.0), meeting the ≤ 0.0001 threshold set for PM2_Supporting in a genetic ancestry group of at least 10,000 alleles. There was no computational or functional evidence predicting a damaging or benign impact of this variant on MYOC function. 20 segregations in 1 family, with juvenile or primary open angle glaucoma (JOAG or POAG), have been reported (PMID: 34923728), which fulfilled PP1_Moderate (≥ 5 meioses in ≥ 1 family, but not the ≥ 7 meioses in > 1 family for the strong criterion). Only 1 proband with JOAG had been reported (PMID: 34923728), not meeting the ≥ 2 probands threshold required to meet PS4_Supporting. In summary, this variant met the criteria to receive a score of 4 and to be classified as a variant of uncertain significance (uncertain significance classification range -1 to 5, adapted from PMID: 32720330) for juvenile open angle glaucoma based on the ACMG/AMP criteria met, as specified by the ClinGen Glaucoma VCEP (v2.0.0, 5 Dec 2024): PP1_Moderate, PM2_Supporting, PM4_Supporting.

NM_000261.2(MYOC):c.1515A>G (p.Ter505Trp)

Gene: MYOC (myocilin; minus strand). Cytogenetic location: 1q24.3.
Variant type: single nucleotide variant.
Coding change: c.1515A>G on transcript NM_000261.2 (MANE Select); coding-DNA position 1515, A replaced by G.
Protein change: p.Ter505Trp.
Molecular consequence: stop lost.
Genome position (GRCh38, 1-based): chr1:171,635,925, T>C on the plus strand (A>G on the coding strand, the complement: MYOC is on the minus strand). VCF-style: chr1-171635925-T-C. GRCh37 (hg19) VCF-style: chr1-171605065-T-C.
Other names: NM_000261.2:c.1515A>G.
Identifiers: ClinVar variation 2500833 (VCV002500833.1), dbSNP rs2527837905, ClinGen allele CA343722726.